The following is an entry in ClinVar:

NM_000070.3(CAPN3):c.706G>A (p.Ala236Thr)

Gene: CAPN3 (calpain 3; plus strand). Cytogenetic location: 15q15.1.
Variant type: single nucleotide variant.
Coding change: c.706G>A on transcript NM_000070.3 (MANE Select); coding-DNA position 706, G replaced by A.
Protein change: p.Ala236Thr; replaces alanine 236 with threonine.
Molecular consequence: missense variant.
Genome position (GRCh38, 1-based): chr15:42,389,001, G>A. VCF-style: chr15-42389001-G-A. GRCh37 (hg19) VCF-style: chr15-42681199-G-A.
Other names: c.706G>A, p.Ala236Thr (NM_024344.2, NM_173087.2); short protein forms A236T.
Identifiers: ClinVar variation 92420 (VCV000092420.33), dbSNP rs1801449, ClinGen allele CA145726.

ClinVar aggregate classification (germline): Benign/Likely benign. Review status: criteria provided, multiple submitters, no conflicts (2 of 4 stars). 18 submissions from 17 submitters: Benign (14); Likely benign (2). 2 of the submissions do not count toward it. Last evaluated 2026-02-04.

Conditions:
Muscular dystrophy, limb-girdle, autosomal dominant 4. Also called: MUSCULAR DYSTROPHY, LIMB-GIRDLE, TYPE 1I; Calpain-3-related limb-girdle muscular dystrophy D4. Identifiers: Orphanet 565909, MedGen C4748295, MONDO:0029133, OMIM 618129.
Autosomal recessive limb-girdle muscular dystrophy type 2A (LGMDR1). Also called: MUSCULAR DYSTROPHY, PELVOFEMORAL; LEYDEN-MOEBIUS MUSCULAR DYSTROPHY; Limb-girdle muscular dystrophy, type 2A; Calpainopathy; Muscular dystrophy, limb-girdle, type 2A, Amish. Identifiers: Orphanet 267, MedGen C1869123, MONDO:0009675, OMIM 253600. Disease mechanism: loss of function.

Allele frequency attached by ClinVar (database versions not stated): ExAC 0.12378; gnomAD 0.22429 and 0.23274; TOPMed 0.24078; ESP Exome Variant Server 0.24331; gnomAD exomes 0.11344 and 0.06782; 1000 Genomes Project 0.27017; 1000 Genomes Project 30x 0.28123.

Submissions (23):

Labcorp Genetics (formerly Invitae), Labcorp
Classification: Benign for Autosomal recessive limb-girdle muscular dystrophy type 2A. Last evaluated: 2026-02-04. Review status: criteria provided, single submitter. Criteria: Invitae Variant Classification Sherloc (09022015). Collection method: clinical testing. Allele origin: germline.

Blueprint Genetics
Classification: Benign. Last evaluated: 2024-11-27. Review status: criteria provided, single submitter. Criteria: ACMG Guidelines, 2015. Collection method: clinical testing. Allele origin: germline.

Women's Health and Genetics/Laboratory Corporation of America, LabCorp
Classification: Likely benign. Last evaluated: 2021-12-10. Review status: criteria provided, single submitter. Criteria: LabCorp Variant Classification Summary - May 2015. Collection method: clinical testing. Allele origin: germline.

Genome-Nilou Lab
Classification: Benign for Muscular dystrophy, limb-girdle, autosomal dominant 4. Last evaluated: 2021-06-10. Review status: criteria provided, single submitter. Criteria: ACMG Guidelines, 2015. Collection method: clinical testing. Allele origin: germline. Affected: no.

Genome-Nilou Lab
Classification: Benign for Autosomal recessive limb-girdle muscular dystrophy type 2A. Last evaluated: 2021-06-10. Review status: criteria provided, single submitter. Criteria: ACMG Guidelines, 2015. Collection method: clinical testing. Allele origin: germline. Affected: no.

Mendelics
Classification: Benign for Autosomal recessive limb-girdle muscular dystrophy type 2A. Last evaluated: 2019-05-28. Review status: criteria provided, single submitter. Criteria: Mendelics Assertion Criteria 2017. Collection method: clinical testing. Allele origin: unknown.

Mayo Clinic Laboratories, Mayo Clinic
Classification: Benign. Last evaluated: 2017-07-24. Review status: criteria provided, single submitter. Criteria: ACMG Guidelines, 2015. Collection method: clinical testing. Allele origin: germline. Observed: 143 variant alleles.

Athena Diagnostics
Classification: Benign. Last evaluated: 2017-04-28. Review status: criteria provided, single submitter. Criteria: Athena Diagnostics Criteria. Collection method: clinical testing. Allele origin: germline.

Illumina Laboratory Services, Illumina
Classification: Benign for Limb-girdle muscular dystrophy, type 2A. Last evaluated: 2017-04-27. Review status: criteria provided, single submitter. Criteria: ICSL Variant Classification Criteria 13 December 2019. Collection method: clinical testing. Allele origin: germline.
Comment: This variant was observed as part of a predisposition screen in an ostensibly healthy population. A literature search was performed for the gene, cDNA change, and amino acid change (where applicable). No publications were found based on this search. Allele frequency data from public databases was too high to be consistent with this variant causing disease. Therefore, this variant is classified as benign.

PreventionGenetics, part of Exact Sciences
Classification: Benign. Last evaluated: 2016-02-10. Review status: criteria provided, single submitter. Criteria: ACMG Guidelines, 2015. Collection method: clinical testing. Allele origin: germline.

GeneDx
Classification: Benign. Last evaluated: 2016-01-14. Review status: criteria provided, single submitter. Criteria: GeneDx Variant Classification (06012015). Collection method: clinical testing. Allele origin: germline. Affected: yes.
Comment: This variant is considered likely benign or benign based on one or more of the following criteria: it is a conservative change, it occurs at a poorly conserved position in the protein, it is predicted to be benign by multiple in silico algorithms, and/or has population frequency not consistent with disease.

Eurofins Ntd Llc (ga)
Classification: Benign. Last evaluated: 2015-12-04. Review status: criteria provided, single submitter. Criteria: EGL Classification Definitions 2015. Collection method: clinical testing. Allele origin: germline. Observed: 18 variant alleles, 13 heterozygotes, 5 homozygotes.

Laboratory for Molecular Medicine, Mass General Brigham Personalized Medicine
Classification: Benign. Last evaluated: 2014-10-29. Review status: criteria provided, single submitter. Criteria: LMM Criteria. Collection method: clinical testing. Allele origin: germline. Observed: 1 variant allele.
Comment: p.Ala236Thr in exon 5 of CAPN3: This variant is not expected to have clinical si gnificance because it has been identified in 62% (2737/4406) of African American chromosomes by the NHLBI Exome Sequencing Project (/EVS/; dbSNP rs1801449).

Genome Diagnostics Laboratory, University Medical Center Utrecht
Classification: Benign for Autosomal recessive limb-girdle muscular dystrophy type 2A. Last evaluated: 2014-10-09. Review status: criteria provided, single submitter. Criteria: ACGS Guidelines, 2013. Collection method: clinical testing. Allele origin: germline. Affected: yes. Study: VKGL Data-share Consensus.

Genetic Services Laboratory, University of Chicago
Classification: Benign for AllHighlyPenetrant. Last evaluated: 2013-09-10. Review status: criteria provided, single submitter. Criteria: ACMG Guidelines, 2007. Collection method: clinical testing. Allele origin: germline. Inheritance: Autosomal recessive inheritance.

Breakthrough Genomics
Classification: Likely benign. Review status: criteria provided, single submitter. Criteria: ACMG Guidelines, 2015. Collection method: not provided. Allele origin: germline. Inheritance: Autosomal recessive inheritance. Affected: yes.

Natera, Inc.
Classification: Benign for Limb-girdle muscular dystrophy type 2A. Last evaluated: 2020-09-16. Review status: no assertion criteria provided. Collection method: clinical testing. Allele origin: germline. Not counted in ClinVar's aggregate classification.

Clinical Genetics, Academic Medical Center
Classification: Benign. Review status: no assertion criteria provided. Collection method: clinical testing. Allele origin: germline. Affected: yes. Study: VKGL Data-share Consensus. Not counted in ClinVar's aggregate classification.

Dr. Peter K. Rogan Lab, Western University
No classification provided (evidence only). Condition: Cholangiocarcinoma. Review status: no classification provided. Collection method: in vitro. Allele origin: not applicable. Functional consequence: retained intron. Not counted in ClinVar's aggregate classification.

Dr. Peter K. Rogan Lab, Western University
No classification provided (evidence only). Condition: Cholangiocarcinoma. Review status: no classification provided. Collection method: in vitro. Allele origin: not applicable. Functional consequence: retained intron. Not counted in ClinVar's aggregate classification.

Dr. Peter K. Rogan Lab, Western University
No classification provided (evidence only). Condition: Cholangiocarcinoma. Review status: no classification provided. Collection method: in vitro. Allele origin: not applicable. Functional consequence: retained intron. Not counted in ClinVar's aggregate classification.

Dr. Peter K. Rogan Lab, Western University
No classification provided (evidence only). Condition: Uterine carcinosarcoma. Review status: no classification provided. Collection method: in vitro. Allele origin: not applicable. Functional consequence: retained intron. Not counted in ClinVar's aggregate classification.

Dr. Peter K. Rogan Lab, Western University
No classification provided (evidence only). Condition: Uterine carcinosarcoma. Review status: no classification provided. Collection method: in vitro. Allele origin: not applicable. Functional consequence: retained intron. Not counted in ClinVar's aggregate classification.

Literature cited by the submitters: PubMed 10330340 (cited by Athena Diagnostics); PubMed 19835634 (cited by Laboratory for Molecular Medicine, Mass General Brigham Personalized Medicine).